The following is an entry in ClinVar:

NM_003482.4(KMT2D):c.10530T>C (p.Tyr3510=)

Gene: KMT2D (lysine methyltransferase 2D; minus strand). Cytogenetic location: 12q13.12.
Variant type: single nucleotide variant.
Coding change: c.10530T>C on transcript NM_003482.4 (MANE Select); coding-DNA position 10530, T replaced by C.
Protein change: p.Tyr3510=; no amino-acid change (tyrosine 3510 retained).
Molecular consequence: synonymous variant.
Genome position (GRCh38, 1-based): chr12:49,034,277, A>G on the plus strand (T>C on the coding strand, the complement: KMT2D is on the minus strand). VCF-style: chr12-49034277-A-G. GRCh37 (hg19) VCF-style: chr12-49428060-A-G.
Identifiers: ClinVar variation 4823560 (VCV004823560.4).

ClinVar aggregate classification (germline): Likely benign (1 of 4 stars; one submission).

Submission:

CeGaT Center for Human Genetics Tuebingen
Classification: Likely benign. Last evaluated: 2026-02-01. Review status: criteria provided, single submitter. Criteria: CeGaT Center For Human Genetics Tuebingen Variant Classification Criteria Version 2. Collection method: clinical testing. Allele origin: germline. Affected: yes. Observed: 1 variant allele.
Comment: KMT2D: PM2:Supporting, BP4, BP7